The following is an entry in ClinVar:

ClinVar aggregate classification (germline): Likely pathogenic (1 of 4 stars; one submission).

Conditions:
Autosomal recessive limb-girdle muscular dystrophy type 2E (LGMDR4). Also called: MUSCULAR DYSTROPHY, LIMB-GIRDLE, AUTOSOMAL RECESSIVE 4. Identifiers: Orphanet 119, MedGen C1858593, MONDO:0011423, OMIM 604286. Disease mechanism: Affects gamma-sarcoglycan and also disrupts the integrity of the entire sarcoglycan complex..

Submission:

Natera, Inc.
Classification: Likely pathogenic for Limb-girdle muscular dystrophy type 2E. Last evaluated: 2026-01-14. Review status: criteria provided, single submitter. Criteria: Natera Variant Classification Schema (03/2026). Collection method: clinical testing. Allele origin: germline.
Comment: The c.571delinsAAA variant in SGCB is a frameshift variant predicted to shift the reading frame beginning at codon 191 and leads to a stop codon 6 codons downstream. This variant is expected to result in nonsense mediated decay, truncation, or a dysfunctional protein product. This variant is rare in the general population with a frequency below the threshold expected for the associated phenotype(s). Given the available evidence, this variant is classified as Likely Pathogenic.

NM_000232.5(SGCB):c.571delinsAAA (p.Leu191fs)

Gene: SGCB (sarcoglycan beta; minus strand). Cytogenetic location: 4q12.
Variant type: Indel.
Coding change: c.571delinsAAA on transcript NM_000232.5 (MANE Select); coding-DNA position 571, T replaced by AAA.
Protein change: p.Leu191fs; shifts the reading frame from leucine 191.
Molecular consequence: frameshift variant.
Genome position (GRCh38, 1-based): chr4:52,028,780, A replaced by TTT on the plus strand (T replaced by AAA on the coding strand, the reverse complement: SGCB is on the minus strand). VCF-style: chr4-52028780-A-TTT. GRCh37 (hg19) VCF-style: chr4-52894946-A-TTT.
Other names: c.571delTinsAAA, p.Leu191Lysfs (NM_000232.4); c.361delinsAAA, p.Leu121fs (NM_001440519.1); c.274delinsAAA, p.Leu92fs (NM_001440520.1); short protein forms L121fs, L191fs, L92fs.
Identifiers: ClinVar variation 4817947 (VCV004817947.1).
Genomic context (GRCh38, chr4:52,028,780, plus strand): 5'-TAAATCATACCCTTTCAGTAGATGCCTTTTGAACATTCAAACTTTTCACTCCACTTGGCA[A>TTT]ATGAAACTCATGAGTTTCATAGTCTGTGCTGAATAAGATATTTTGAGTCCTCGGGTCAAA-3'